The following is an entry in ClinVar:

ClinVar aggregate classification (germline): Uncertain significance. Review status: criteria provided, multiple submitters, no conflicts (2 of 4 stars). 2 submissions from 2 submitters: Uncertain significance (2). Last evaluated 2022-05-16.

Conditions:
Alstrom syndrome (ALMS). Identifiers: Orphanet 64, MedGen C0268425, MONDO:0008763, OMIM 203800.

Allele frequency attached by ClinVar (database versions not stated): gnomAD exomes below 0.00001.
gnomAD v4.1: 11 of 1,614,186 alleles (0.00068%); highest among the groups gnomAD compares: Middle Eastern, 0.016%; no homozygotes.

Submissions (2):

Fulgent Genetics
Classification: Uncertain significance for Alstrom syndrome. Last evaluated: 2022-05-16. Review status: criteria provided, single submitter. Criteria: ACMG Guidelines, 2015. Collection method: clinical testing. Allele origin: unknown.

Labcorp Genetics (formerly Invitae), Labcorp
Classification: Uncertain significance for Alstrom syndrome. Last evaluated: 2021-08-18. Review status: criteria provided, single submitter. Criteria: Invitae Variant Classification Sherloc (09022015). Collection method: clinical testing. Allele origin: germline.
Comment: This sequence change replaces isoleucine with valine at codon 3146 of the ALMS1 protein (p.Ile3146Val). The isoleucine residue is weakly conserved and there is a small physicochemical difference between isoleucine and valine. This variant is not present in population databases (ExAC no frequency). This variant has not been reported in the literature in individuals affected with ALMS1-related conditions. Experimental studies and prediction algorithms are not available or were not evaluated, and the functional significance of this variant is currently unknown. In summary, the available evidence is currently insufficient to determine the role of this variant in disease. Therefore, it has been classified as a Variant of Uncertain Significance.

NM_001378454.1(ALMS1):c.9433A>G (p.Ile3145Val)

Gene: ALMS1 (ALMS1 centrosome and basal body associated protein; plus strand). Cytogenetic location: 2p13.1.
Variant type: single nucleotide variant.
Coding change: c.9433A>G on transcript NM_001378454.1 (MANE Select); coding-DNA position 9433, A replaced by G.
Protein change: p.Ile3145Val; replaces isoleucine 3145 with valine.
Molecular consequence: missense variant.
Genome position (GRCh38, 1-based): chr2:73,491,392, A>G. VCF-style: chr2-73491392-A-G. GRCh37 (hg19) VCF-style: chr2-73718519-A-G.
Other names: c.9436A>G, p.Ile3146Val (NM_015120.4); short protein forms I3146V, I3145V.
Identifiers: ClinVar variation 1355368 (VCV001355368.4), dbSNP rs767987000, ClinGen allele CA50380555.